The following is an entry in ClinVar:

NM_000053.4(ATP7B):c.1820dup (p.Phe608fs)

Gene: ATP7B (ATPase copper transporting beta; minus strand). Cytogenetic location: 13q14.3.
Variant type: Duplication.
Coding change: c.1820dup on transcript NM_000053.4 (MANE Select); coding-DNA position 1820, one base duplicated (A; older notation c.1820dupA).
Protein change: p.Phe608fs; shifts the reading frame from phenylalanine 608.
Molecular consequence: frameshift variant.
Genome position (GRCh38, 1-based): chr13:51,964,921, T duplicated on the plus strand (A on the coding strand, the reverse complement: ATP7B is on the minus strand); the first of 2 consecutive T bases (chr13:51,964,921-51,964,922); duplicating either gives the same sequence. VCF-style (leftmost placement, unchanged base first): chr13-51964920-C-CT. GRCh37 (hg19) VCF-style: chr13-52539056-C-CT.
Other names: c.1820dup, p.Phe608fs (NM_001005918.3, NM_001330578.2, NM_001330579.2); c.1487dup, p.Phe497fs (NM_001243182.2); short protein forms F497fs, F608fs.
Identifiers: ClinVar variation 371013 (VCV000371013.4), dbSNP rs1057516940, ClinGen allele CA16041673.

ClinVar aggregate classification (germline): Likely pathogenic. Review status: criteria provided, single submitter (1 of 4 stars). 2 submissions from 2 submitters: Likely pathogenic (1). 1 of the submissions does not count toward it. Last evaluated 2018-02-08.

Conditions:
Wilson disease (WND). Also called: Wilson's disease. Identifiers: Orphanet 905, MedGen C0019202, MONDO:0010200, OMIM 277900. Disease mechanism: loss of function.

Submissions (2):

Women's Health and Genetics/Laboratory Corporation of America, LabCorp
Classification: Likely pathogenic for Wilson disease. Last evaluated: 2018-02-08. Review status: criteria provided, single submitter. Criteria: LabCorp Variant Classification Summary - May 2015. Collection method: clinical testing. Allele origin: germline.
Comment: Variant summary: ATP7B c.1820dupA (p.Phe608ValfsX2) results in a premature termination codon, predicted to cause a truncation of the encoded protein or absence of the protein due to nonsense mediated decay, which are commonly known mechanisms for disease. Truncations downstream of this position have been classified as pathogenic by our laboratory (eg. c.2009_2015delATATGCT, p.Tyr670fsX1; c.2165dupT, p.Arg723fsX32; c.2304dupC, p.Met769fsX26). The variant was absent in 120764 control chromosomes (ExAC). The variant, c.1820dupA, has been reported in the literature in individuals affected with Wilson Disease (Dong_2016, Fan_2004). These data indicate that the variant may be associated with disease. To our knowledge, no experimental evidence demonstrating an impact on protein function has been reported. One clinical diagnostic laboratory has submitted clinical-significance assessments for this variant to ClinVar after 2014 without evidence for independent evaluation, and has a classification of likely pathogenic. Based on the evidence outlined above, the variant was classified as likely pathogenic.

Counsyl
Classification: Likely pathogenic for Wilson disease. Last evaluated: 2016-06-07. Review status: no assertion criteria provided. Collection method: clinical testing. Allele origin: unknown. Not counted in ClinVar's aggregate classification.

Literature cited by the submitters: PubMed 15524314 (cited by Women's Health and Genetics/Laboratory Corporation of America, LabCorp and Counsyl); PubMed 27022412 (cited by Women's Health and Genetics/Laboratory Corporation of America, LabCorp and Counsyl).